The following is an entry in ClinVar:

ClinVar aggregate classification (germline): Uncertain significance. Review status: criteria provided, multiple submitters, no conflicts (2 of 4 stars). 2 submissions from 2 submitters: Uncertain significance (2). Last evaluated 2024-04-17.

Conditions:
Nephronophthisis. Also called: Juvenile Nephronophthisis. Identifiers: Orphanet 655, MedGen C0687120, MONDO:0019005, HP:0000090.
Nephronophthisis 4 (NPHP4). Also called: NEPHRONOPHTHISIS 4, JUVENILE. Identifiers: Orphanet 655, MedGen C1847013, MONDO:0011752, OMIM 606966.
Senior-Loken syndrome 4 (SLSN4). Identifiers: Orphanet 3156, MedGen C1846979, MONDO:0011756, OMIM 606996.

Allele frequency attached by ClinVar (database versions not stated): gnomAD 0.00001; ESP Exome Variant Server 0.00008.
gnomAD v4.1: 6 of 1,611,958 alleles (0.00037%); highest among the groups gnomAD compares: Non-Finnish European, 0.00051%; no homozygotes.

Submissions (2):

Fulgent Genetics
Classification: Uncertain significance for Nephronophthisis 4; Senior-Loken syndrome 4. Last evaluated: 2024-04-17. Review status: criteria provided, single submitter. Criteria: ACMG Guidelines, 2015. Collection method: clinical testing. Allele origin: germline.

Labcorp Genetics (formerly Invitae), Labcorp
Classification: Uncertain significance for Nephronophthisis. Last evaluated: 2024-02-24. Review status: criteria provided, single submitter. Criteria: Invitae Variant Classification Sherloc (09022015). Collection method: clinical testing. Allele origin: germline.
Comment: This sequence change replaces alanine, which is neutral and non-polar, with serine, which is neutral and polar, at codon 1242 of the NPHP4 protein (p.Ala1242Ser). This variant is present in population databases (rs370942610, gnomAD 0.0009%). This variant has not been reported in the literature in individuals affected with NPHP4-related conditions. ClinVar contains an entry for this variant (Variation ID: 1361225). Advanced modeling of protein sequence and biophysical properties (such as structural, functional, and spatial information, amino acid conservation, physicochemical variation, residue mobility, and thermodynamic stability) performed at Invitae indicates that this missense variant is not expected to disrupt NPHP4 protein function with a negative predictive value of 80%. In summary, the available evidence is currently insufficient to determine the role of this variant in disease. Therefore, it has been classified as a Variant of Uncertain Significance.

NM_015102.5(NPHP4):c.3724G>T (p.Ala1242Ser)

Gene: NPHP4 (nephrocystin 4; minus strand). Cytogenetic location: 1p36.31.
Variant type: single nucleotide variant.
Coding change: c.3724G>T on transcript NM_015102.5 (MANE Select); coding-DNA position 3724, G replaced by T.
Protein change: p.Ala1242Ser; replaces alanine 1242 with serine.
Molecular consequence: missense variant. On other transcripts: non-coding transcript variant (1).
Genome position (GRCh38, 1-based): chr1:5,865,194, C>A on the plus strand (G>T on the coding strand, the complement: NPHP4 is on the minus strand). VCF-style: chr1-5865194-C-A. GRCh37 (hg19) VCF-style: chr1-5925254-C-A.
Other names: c.2185G>T, p.Ala729Ser (NM_001291593.2); c.2188G>T, p.Ala730Ser (NM_001291594.2); short protein forms A1242S, A729S, A730S.
Identifiers: ClinVar variation 1361225 (VCV001361225.7), dbSNP rs370942610, ClinGen allele CA553487.
Genomic context (GRCh38, chr1:5,865,194, plus strand): 5'-TCACTTTCCTCACTGTCTGTGTCCCCCGAAGGACAAGGGACAGGCGGGTCAGCTGGCCTG[C>A]GACGCAGGAGACATCCACGCGCTGCAGGGAGTGGAGGTAGACCTGCCACGTCTGTGTGGG-3'
Protein context (NP_055917.1, residues 1232-1252): SLQRVDVSCV[Ala1242Ser]GQLTRLSLVL